The following is an entry in ClinVar:

NM_000152.5(GAA):c.1871_1872del (p.Leu624fs)

Gene: GAA (alpha glucosidase; plus strand). Cytogenetic location: 17q25.3.
Variant type: Deletion.
Coding change: c.1871_1872del on transcript NM_000152.5 (MANE Select); coding-DNA positions 1871 to 1872, 2 bases deleted (TC; older notation c.1871_1872delTC).
Protein change: p.Leu624fs; shifts the reading frame from leucine 624.
Molecular consequence: frameshift variant.
Genome position (GRCh38, 1-based): chr17:80,112,694-80,112,695, TC deleted; deleting any 2 consecutive bases within chr17:80,112,693-80,112,695 gives the same sequence; the c. name uses the placement nearest the transcript's 3' end. VCF-style (leftmost placement, unchanged base first): chr17-80112692-GCT-G. GRCh37 (hg19) VCF-style: chr17-78086491-GCT-G.
Other names: c.1871_1872del, p.Leu624fs (NM_001406741.1, NM_001406742.1, NM_001079803.3 and 1 more transcripts); short protein forms L624fs.
Identifiers: ClinVar variation 4876582 (VCV004876582.1).

ClinVar aggregate classification (germline): Pathogenic (1 of 4 stars; one submission).

Conditions:
Glycogen storage disease, type II (IOPD). Also called: Pompe Disease; CARDIOMEGALIA GLYCOGENICA DIFFUSA; GLYCOGENOSIS, GENERALIZED, CARDIAC FORM; GSD II; POMPE DISEASE, INFANTILE-ONSET; GLYCOGEN STORAGE DISEASE II, INFANTILE-ONSET. Identifiers: Orphanet 365, MedGen C0017921, MONDO:0009290, OMIM 232300.

Submission:

Genomenon, Inc
Classification: Pathogenic for Glycogen storage disease, type II. Last evaluated: 2026-07-01. Review status: criteria provided, single submitter. Criteria: Genomenon Sequence Variant Interpretation Standards - Updated. Collection method: curation. Allele origin: germline. Affected: yes.
Comment: GAA p.Leu624ArgfsTer11 (c.1871_1872del) is a frameshift variant that is predicted to introduce a premature termination codon and result in a truncated or absent protein product. This variant has been observed in at least one proband with a GAA-related disorder (PMID:39010129). It is absent or not present at a significant frequency in gnomAD. In conclusion, we classify GAA p.Leu624ArgfsTer11 (c.1871_1872del) as a pathogenic variant.

Literature cited by the submitters: PubMed 39010129.